The following is an entry in ClinVar:

NM_001110556.2(FLNA):c.6503-1G>A

Gene: FLNA (filamin A; minus strand). Cytogenetic location: Xq28.
Variant type: single nucleotide variant.
Coding change: c.6503-1G>A on transcript NM_001110556.2 (MANE Select); the canonical splice acceptor site of the intron before coding-DNA position 6503, G replaced by A.
Molecular consequence: splice acceptor variant.
Genome position (GRCh38, 1-based): chrX:154,352,448, C>T on the plus strand (G>A on the coding strand, the complement: FLNA is on the minus strand). VCF-style: chrX-154352448-C-T. GRCh37 (hg19) VCF-style: chrX-153580816-C-T.
Other names: c.6479-1G>A (NM_001456.4).
Identifiers: ClinVar variation 1879778 (VCV001879778.29), dbSNP rs2522721064, ClinGen allele CA415191671.

ClinVar aggregate classification (germline): Pathogenic (1 of 4 stars; one submission).

Submission:

CeGaT Center for Human Genetics Tuebingen
Classification: Pathogenic. Last evaluated: 2023-08-01. Review status: criteria provided, single submitter. Criteria: CeGaT Center For Human Genetics Tuebingen Variant Classification Criteria Version 2. Collection method: clinical testing. Allele origin: germline. Affected: yes. Observed: 2 variant alleles.
Comment: FLNA: PVS1, PM2, PP4